The following is an entry in ClinVar:

ClinVar aggregate classification (germline): Uncertain significance. Review status: criteria provided, multiple submitters, no conflicts (2 of 4 stars). 2 submissions from 2 submitters: Uncertain significance (2). Last evaluated 2024-02-03.

Conditions:
Inborn genetic diseases. Identifiers: MedGen C0950123, MeSH D030342.
Mosaic variegated aneuploidy syndrome 1 (MVA1). Also called: Warburton-Anyane-Yeboa syndrome. Identifiers: Orphanet 1052, MedGen C1850343, MONDO:0009759, OMIM 257300.

Allele frequency attached by ClinVar (database versions not stated): gnomAD exomes below 0.00001; TOPMed below 0.00001.
gnomAD v4.1: 2 of 1,613,990 alleles (0.00012%); highest among the groups gnomAD compares: Non-Finnish European, 0.00017%; no homozygotes.

Submissions (2):

Labcorp Genetics (formerly Invitae), Labcorp
Classification: Uncertain significance for Mosaic variegated aneuploidy syndrome 1. Last evaluated: 2024-02-03. Review status: criteria provided, single submitter. Criteria: Invitae Variant Classification Sherloc (09022015). Collection method: clinical testing. Allele origin: germline.
Comment: This sequence change replaces arginine, which is basic and polar, with threonine, which is neutral and polar, at codon 381 of the BUB1B protein (p.Arg381Thr). This variant is not present in population databases (gnomAD no frequency). This variant has not been reported in the literature in individuals affected with BUB1B-related conditions. ClinVar contains an entry for this variant (Variation ID: 1731673). An algorithm developed to predict the effect of missense changes on protein structure and function (PolyPhen-2) suggests that this variant is likely to be disruptive. In summary, the available evidence is currently insufficient to determine the role of this variant in disease. Therefore, it has been classified as a Variant of Uncertain Significance.

Ambry Genetics
Classification: Uncertain significance for Inborn genetic diseases. Last evaluated: 2021-11-30. Review status: criteria provided, single submitter. Criteria: Ambry Variant Classification Scheme 2023. Collection method: clinical testing. Allele origin: germline.
Comment: The p.R381T variant (also known as c.1142G>C), located in coding exon 9 of the BUB1B gene, results from a G to C substitution at nucleotide position 1142. The arginine at codon 381 is replaced by threonine, an amino acid with similar properties. This amino acid position is conserved. In addition, the in silico prediction for this alteration is inconclusive. Since supporting evidence is limited at this time, the clinical significance of this alteration remains unclear.

NM_001211.6(BUB1B):c.1142G>C (p.Arg381Thr)

Gene: BUB1B (BUB1 mitotic checkpoint serine/threonine kinase B; plus strand). Cytogenetic location: 15q15.1.
Variant type: single nucleotide variant.
Coding change: c.1142G>C on transcript NM_001211.6 (MANE Select); coding-DNA position 1142, G replaced by C.
Protein change: p.Arg381Thr; replaces arginine 381 with threonine.
Molecular consequence: missense variant.
Genome position (GRCh38, 1-based): chr15:40,196,628, G>C. VCF-style: chr15-40196628-G-C. GRCh37 (hg19) VCF-style: chr15-40488829-G-C.
Other names: short protein forms R381T.
Identifiers: ClinVar variation 1731673 (VCV001731673.4), dbSNP rs2037500999, ClinGen allele CA391687161.